The following is an entry in ClinVar:

NM_024577.4(SH3TC2):c.3733_3734del (p.Leu1244_Gly1245insTer)

Gene: SH3TC2 (SH3 domain and tetratricopeptide repeats 2; minus strand). Cytogenetic location: 5q32.
Variant type: Deletion.
Coding change: c.3733_3734del on transcript NM_024577.4 (MANE Select); coding-DNA positions 3733 to 3734, 2 bases deleted (GG; older notation c.3733_3734delGG).
Protein change: p.Leu1244_Gly1245insTer.
Molecular consequence: nonsense.
Genome position (GRCh38, 1-based): chr5:149,004,844-149,004,845, CC deleted on the plus strand (GG on the coding strand, the reverse complement: SH3TC2 is on the minus strand); deleting any 2 consecutive bases within chr5:149,004,844-149,004,846 gives the same sequence; the c. name uses the placement nearest the transcript's 3' end. VCF-style (leftmost placement, unchanged base first): chr5-149004843-ACC-A. GRCh37 (hg19) VCF-style: chr5-148384406-ACC-A.
Identifiers: ClinVar variation 2412818 (VCV002412818.6), dbSNP rs2127391399, ClinGen allele CA2573052451.

ClinVar aggregate classification (germline): Uncertain significance (1 of 4 stars; one submission).

Conditions:
Charcot-Marie-Tooth disease type 4C (CMT4C). Also called: SH3TC2-Related Hereditary Motor and Sensory Neuropathy; CHARCOT-MARIE-TOOTH DISEASE, DEMYELINATING, TYPE 4C; CMT 4C; CHARCOT-MARIE-TOOTH DISEASE, DEMYELINATING, AUTOSOMAL RECESSIVE, TYPE 4C; Charcot-Marie-Tooth Neuropathy Type 4C (CMT4C). Identifiers: Orphanet 99949, MedGen C1866636, MONDO:0011113, OMIM 601596.

Submission:

Pangenia Genomics, Pangenia Inc.
Classification: Uncertain significance for Charcot-Marie-Tooth disease type 4C. Last evaluated: 2022-10-19. Review status: criteria provided, single submitter. Criteria: ACMG Guidelines, 2015. Collection method: research. Allele origin: paternal. Inheritance: Autosomal recessive inheritance. Affected: yes. Observed: 1 compound heterozygote.
Comment: The SH3TC2, c.3733_3734del (p.Gly1245Ter) variant creates a premature stop codon within the last exon of gene SH3TC2 for which loss-of-function is a known mechanism of Charcot-Marie-Tooth disease, type 4C. It is not expected to result in nonsense-mediated decay of the transcript, and is expected to remove <10% of the protein while the role of region in protein function is unknown. This variant is absent from the gnomAD v2.1.1 dataset with good coverage of the locus. This variant is detected in trans with a likely-pathogenic variant [SH3TC2, c.2838_2850dup (p.Leu951IlefsTer32)]. Hence, this variant was classified as a VUS (variant of uncertain significance).